The following is an entry in ClinVar:

NM_000540.3(RYR1):c.2077C>G (p.Pro693Ala)

Gene: RYR1 (ryanodine receptor 1; plus strand). Cytogenetic location: 19q13.2.
Variant type: single nucleotide variant.
Coding change: c.2077C>G on transcript NM_000540.3 (MANE Select); coding-DNA position 2077, C replaced by G.
Protein change: p.Pro693Ala; replaces proline 693 with alanine.
Molecular consequence: missense variant.
Genome position (GRCh38, 1-based): chr19:38,458,202, C>G. VCF-style: chr19-38458202-C-G. GRCh37 (hg19) VCF-style: chr19-38948842-C-G.
Other names: c.2077C>G, p.Pro693Ala (NM_001042723.2); short protein forms P693A.
Identifiers: ClinVar variation 4530859 (VCV004530859.1).

ClinVar aggregate classification (germline): Uncertain significance (1 of 4 stars; one submission).

Submission:

GeneDx
Classification: Uncertain significance. Last evaluated: 2025-05-14. Review status: criteria provided, single submitter. Criteria: GeneDx Variant Classification Process June 2021. Collection method: clinical testing. Allele origin: germline. Affected: yes.
Comment: Not observed at significant frequency in large population cohorts (gnomAD); In silico analysis supports that this missense variant has a deleterious effect on protein structure/function; Has not been previously published as pathogenic or benign to our knowledge